The following is an entry in ClinVar:

NM_002294.3(LAMP2):c.1057C>T (p.Gln353Ter)

Gene: LAMP2 (lysosome associated membrane protein 2; minus strand). Cytogenetic location: Xq24.
Variant type: single nucleotide variant.
Coding change: c.1057C>T on transcript NM_002294.3 (MANE Select); coding-DNA position 1057, C replaced by T.
Protein change: p.Gln353Ter; replaces glutamine 353 with a stop codon.
Molecular consequence: nonsense.
Genome position (GRCh38, 1-based): chrX:120,441,766, G>A on the plus strand (C>T on the coding strand, the complement: LAMP2 is on the minus strand). VCF-style: chrX-120441766-G-A. GRCh37 (hg19) VCF-style: chrX-119575621-G-A.
Other names: c.1057C>T, p.Gln353Ter (NM_001122606.1, NM_013995.2); short protein forms Q353*.
Identifiers: ClinVar variation 1323190 (VCV001323190.10), dbSNP rs2147278858, ClinGen allele CA414399963.

ClinVar aggregate classification (germline): Pathogenic/Likely pathogenic. Review status: criteria provided, multiple submitters, no conflicts (2 of 4 stars). 2 submissions from 2 submitters: Pathogenic (1); Likely pathogenic (1). Last evaluated 2025-09-13.

Conditions:
Danon disease. Also called: Glycogen Storage Disease Type IIb; PSEUDOGLYCOGENOSIS II; ANTOPOL DISEASE; GSD IIb; LYSOSOMAL GLYCOGEN STORAGE DISEASE WITHOUT ACID MALTASE DEFICIENCY. Identifiers: Orphanet 34587, MedGen C0878677, MONDO:0010281, OMIM 300257.

Submissions (2):

Labcorp Genetics (formerly Invitae), Labcorp
Classification: Pathogenic for Danon disease. Last evaluated: 2025-09-13. Review status: criteria provided, single submitter. Criteria: Invitae Variant Classification Sherloc (09022015). Collection method: clinical testing. Allele origin: germline.
Comment: This sequence change creates a premature translational stop signal (p.Gln353*) in the LAMP2 gene. While this is not anticipated to result in nonsense mediated decay, it is expected to disrupt the last 58 amino acid(s) of the LAMP2 protein. This variant is not present in population databases (gnomAD no frequency). This premature translational stop signal has been observed in individual(s) with Danon disease (PMID: 27816333). In at least one individual the variant was observed to be de novo. ClinVar contains an entry for this variant (Variation ID: 1323190). This variant disrupts a region of the LAMP2 protein in which other variant(s) (p.Gln359*) have been determined to be pathogenic (PMID: 16144992, 28874292). This suggests that this is a clinically significant region of the protein, and that variants that disrupt it are likely to be disease-causing. For these reasons, this variant has been classified as Pathogenic.

GeneDx
Classification: Likely pathogenic. Last evaluated: 2025-08-12. Review status: criteria provided, single submitter. Criteria: GeneDx Variant Classification Process June 2021. Collection method: clinical testing. Allele origin: germline. Affected: yes.
Comment: Observed in hemizygous state in patients with Danon disease in the published literature including an apparently de novo occurence and inherited from an affected mother with HCM (PMID: 29907873, 27816333); Nonsense variant predicted to result in protein truncation as the last 58 amino acid(s) are lost; Not observed at significant frequency in large population cohorts (gnomAD); This variant is associated with the following publications: (PMID: 27816333, 29907873)

Literature cited by the submitters: PubMed 27816333 (cited by Labcorp Genetics (formerly Invitae), Labcorp); PubMed 16144992 (cited by Labcorp Genetics (formerly Invitae), Labcorp); PubMed 28874292 (cited by Labcorp Genetics (formerly Invitae), Labcorp).